The following is an entry in ClinVar:

NM_001378609.3(OTOGL):c.5421A>G (p.Pro1807=)

Gene: OTOGL (otogelin like; plus strand). Cytogenetic location: 12q21.31.
Variant type: single nucleotide variant.
Coding change: c.5421A>G on transcript NM_001378609.3 (MANE Select); coding-DNA position 5421, A replaced by G.
Protein change: p.Pro1807=; no amino-acid change (proline 1807 retained).
Molecular consequence: synonymous variant.
Genome position (GRCh38, 1-based): chr12:80,353,338, A>G. VCF-style: chr12-80353338-A-G. GRCh37 (hg19) VCF-style: chr12-80747118-A-G.
Other names: c.5286A>G, p.Pro1762= (NM_001368062.3); c.5421A>G, p.Pro1807= (NM_001378610.3, NM_173591.7).
Identifiers: ClinVar variation 2643191 (VCV002643191.24), dbSNP rs377436458, ClinGen allele CA240235972.

ClinVar aggregate classification (germline): Likely benign (1 of 4 stars; one submission).

Allele frequency attached by ClinVar (database versions not stated): gnomAD exomes below 0.00001; TOPMed 0.00001; ESP Exome Variant Server 0.00008.
gnomAD v4.1: 2 of 1,561,294 alleles (0.00013%); highest among the groups gnomAD compares: Non-Finnish European, 0.00017%; no homozygotes.

Submission:

CeGaT Center for Human Genetics Tuebingen
Classification: Likely benign. Last evaluated: 2023-07-01. Review status: criteria provided, single submitter. Criteria: CeGaT Center For Human Genetics Tuebingen Variant Classification Criteria Version 2. Collection method: clinical testing. Allele origin: germline. Affected: yes. Observed: 1 variant allele.
Comment: OTOGL: PM2:Supporting, BP4, BP7